The following is an entry in ClinVar:

ClinVar aggregate classification (germline): Uncertain significance. Review status: criteria provided, multiple submitters, no conflicts (2 of 4 stars). 3 submissions from 3 submitters: Uncertain significance (3). Last evaluated 2025-03-14.

Allele frequency attached by ClinVar (database versions not stated): TOPMed below 0.00001; ExAC 0.00002; gnomAD exomes 0.00001.
gnomAD v4.1: 18 of 1,612,926 alleles (0.0011%); highest among the groups gnomAD compares: African/African-American, 0.0013%; no homozygotes.

Submissions (3):

Revvity Omics, Revvity
Classification: Uncertain significance. Last evaluated: 2025-03-14. Review status: criteria provided, single submitter. Criteria: ACMG Guidelines, 2015. Collection method: clinical testing. Allele origin: germline.

Eurofins Ntd Llc (ga)
Classification: Uncertain significance. Last evaluated: 2016-09-01. Review status: criteria provided, single submitter. Criteria: EGL Classification Definitions 2015. Collection method: clinical testing. Allele origin: germline. Observed: 1 variant allele, 1 heterozygote.

GeneDx
Classification: Uncertain significance. Last evaluated: 2014-10-10. Review status: criteria provided, single submitter. Criteria: GeneDx Variant Classification (06012015). Collection method: clinical testing. Allele origin: germline. Affected: yes.
Comment: Missense variants in the TTN gene are considered 'unclassified' if they are not previously reported in the literature and do not have >1% frequency in the population to be considered a polymorphism. Research indicates that truncating mutations in the TTN gene are expected to account for approximately 25% of familial and 18% of sporadic idiopathic DCM; however, truncating variants in the TTN gene have been reported in approximately 3% of reported control alleles. There has been little investigation into non-truncating variants. (Herman D et al. Truncations of titin causing dilated cardiomyopathy. N Eng J Med 366:619-628, 2012) The variant is found in DCM-CRDM panel(s).

NM_001267550.2(TTN):c.63641A>C (p.Asp21214Ala)

Genes: TTN-AS1 (TTN antisense RNA 1; plus strand), TTN (titin; minus strand). Cytogenetic location: 2q31.2.
Variant type: single nucleotide variant.
Coding change: c.63641A>C on transcript NM_001267550.2 (MANE Select); coding-DNA position 63641, A replaced by C.
Protein change: p.Asp21214Ala; replaces aspartic acid 21214 with alanine.
Molecular consequence: missense variant.
Genome position (GRCh38, 1-based): chr2:178,587,668, T>G on the plus strand (A>C on the coding strand, the complement: TTN is on the minus strand). VCF-style: chr2-178587668-T-G. GRCh37 (hg19) VCF-style: chr2-179452395-T-G.
Other names: p.D19573A:GAT>GCT; c.58718A>C, p.Asp19573Ala (NM_001256850.1); c.36446A>C, p.Asp12149Ala (NM_003319.4); c.55937A>C, p.Asp18646Ala (NM_133378.4); c.36821A>C, p.Asp12274Ala (NM_133432.3); c.37022A>C, p.Asp12341Ala (NM_133437.4); short protein forms D19573A, D21214A, D18646A, D12149A, D12274A, D12341A.
Identifiers: ClinVar variation 202778 (VCV000202778.7), dbSNP rs779686062, ClinGen allele CA310258.